The following is an entry in ClinVar:

NM_000455.5(STK11):c.*16+19C>T

Gene: STK11 (serine/threonine kinase 11; plus strand). Cytogenetic location: 19p13.3.
Variant type: single nucleotide variant.
Coding change: c.*16+19C>T on transcript NM_000455.5 (MANE Select); 19 bases into the intron after 16 bases downstream of the stop codon, C replaced by T.
Molecular consequence: intron variant.
Genome position (GRCh38, 1-based): chr19:1,226,682, C>T. VCF-style: chr19-1226682-C-T. GRCh37 (hg19) VCF-style: chr19-1226681-C-T.
Identifiers: ClinVar variation 390590 (VCV000390590.1), dbSNP rs1040395243, ClinGen allele CA16608857.

ClinVar aggregate classification (germline): Likely benign (1 of 4 stars; one submission).

Allele frequency attached by ClinVar (database versions not stated): TOPMed 0.00001.
gnomAD v4.1: 6 of 1,475,234 alleles (0.00041%); highest among the groups gnomAD compares: South Asian, 0.0054%; no homozygotes.

Submission:

GeneDx
Classification: Likely benign. Last evaluated: 2016-10-26. Review status: criteria provided, single submitter. Criteria: GeneDx Variant Classification (06012015). Collection method: clinical testing. Allele origin: germline. Affected: yes.
Comment: This variant is considered likely benign or benign based on one or more of the following criteria: it is a conservative change, it occurs at a poorly conserved position in the protein, it is predicted to be benign by multiple in silico algorithms, and/or has population frequency not consistent with disease.